The following is an entry in ClinVar:

ClinVar aggregate classification (germline): Uncertain significance (1 of 4 stars; one submission).

Conditions:
Charcot-Marie-Tooth disease axonal type 2O. Also called: Charcot-Marie-Tooth Neuropathy Type 2O; CHARCOT-MARIE-TOOTH NEUROPATHY, AXONAL, TYPE 2O; CHARCOT-MARIE-TOOTH DISEASE, AXONAL, AUTOSOMAL DOMINANT, TYPE 2O; Charcot-Marie-Tooth disease, axonal, type 20. Identifiers: Orphanet 284232, MedGen C3280220, MONDO:0013644, OMIM 614228.

gnomAD v4.1: 1 of 1,614,180 alleles (0.000062%); highest among the groups gnomAD compares: Non-Finnish European, 0.000085%; no homozygotes.

Submission:

Labcorp Genetics (formerly Invitae), Labcorp
Classification: Uncertain significance for Charcot-Marie-Tooth disease axonal type 2O. Last evaluated: 2024-10-22. Review status: criteria provided, single submitter. Criteria: Invitae Variant Classification Sherloc (09022015). Collection method: clinical testing. Allele origin: germline.
Comment: This sequence change replaces alanine, which is neutral and non-polar, with threonine, which is neutral and polar, at codon 4003 of the DYNC1H1 protein (p.Ala4003Thr). This variant is not present in population databases (gnomAD no frequency). This variant has not been reported in the literature in individuals affected with DYNC1H1-related conditions. ClinVar contains an entry for this variant (Variation ID: 1510252). Invitae Evidence Modeling of protein sequence and biophysical properties (such as structural, functional, and spatial information, amino acid conservation, physicochemical variation, residue mobility, and thermodynamic stability) indicates that this missense variant is not expected to disrupt DYNC1H1 protein function with a negative predictive value of 95%. In summary, the available evidence is currently insufficient to determine the role of this variant in disease. Therefore, it has been classified as a Variant of Uncertain Significance.

NM_001376.5(DYNC1H1):c.12007G>A (p.Ala4003Thr)

Gene: DYNC1H1 (dynein cytoplasmic 1 heavy chain 1; plus strand). Cytogenetic location: 14q32.31.
Variant type: single nucleotide variant.
Coding change: c.12007G>A on transcript NM_001376.5 (MANE Select); coding-DNA position 12007, G replaced by A.
Protein change: p.Ala4003Thr; replaces alanine 4003 with threonine.
Molecular consequence: missense variant.
Genome position (GRCh38, 1-based): chr14:102,041,639, G>A. VCF-style: chr14-102041639-G-A. GRCh37 (hg19) VCF-style: chr14-102507976-G-A.
Other names: short protein forms A4003T.
Identifiers: ClinVar variation 1510252 (VCV001510252.6), dbSNP rs2152596279, ClinGen allele CA391037739.
Genomic context (GRCh38, chr14:102,041,639, plus strand): 5'-ATTGGCCAGGCCATCCACCGCCTGCTCCTGATCCAGGCTTTCCGGCCCGATCGCCTGTTG[G>A]CCATGGCCCACATGTTTGTTTCAACAAACCTTGGGGAGTCTTTCATGTCCATCATGGAGC-3'
Protein context (NP_001367.2, residues 3993-4013): IQAFRPDRLL[Ala4003Thr]MAHMFVSTNL